The following is an entry in ClinVar:

NM_001035.2:c.(1708+1_1709-1)_(14904_?)del

Gene: RYR2 (ryanodine receptor 2; plus strand).
Variant type: Deletion.
Identifiers: ClinVar variation 3895231 (VCV003895231.1).

ClinVar aggregate classification (germline): Likely pathogenic (1 of 4 stars; one submission).

Conditions:
Cardiovascular phenotype. Identifiers: MedGen CN230736.

Submission:

Molecular Diagnostic Laboratory for Inherited Cardiovascular Disease, Montreal Heart Institute
Classification: Likely pathogenic for Cardiovascular phenotype. Last evaluated: 2024-07-11. Review status: criteria provided, single submitter. Criteria: ACMG Guidelines, 2015. Collection method: clinical testing. Allele origin: germline. Affected: yes.
Comment: PVS1, PM2